The following is an entry in ClinVar:

NM_001376.5(DYNC1H1):c.4453C>T (p.Arg1485Cys)

Gene: DYNC1H1 (dynein cytoplasmic 1 heavy chain 1; plus strand). Cytogenetic location: 14q32.31.
Variant type: single nucleotide variant.
Coding change: c.4453C>T on transcript NM_001376.5 (MANE Select); coding-DNA position 4453, C replaced by T.
Protein change: p.Arg1485Cys; replaces arginine 1485 with cysteine.
Molecular consequence: missense variant.
Genome position (GRCh38, 1-based): chr14:102,001,592, C>T. VCF-style: chr14-102001592-C-T. GRCh37 (hg19) VCF-style: chr14-102467929-C-T.
Other names: short protein forms R1485C.
Identifiers: ClinVar variation 1720579 (VCV001720579.5), dbSNP rs2503731287, ClinGen allele CA391042524.
Genomic context (GRCh38, chr14:102,001,592, plus strand): 5'-CAGATAAGAGAAGTGTGGAATACTTATGAACTAGACTTGGTTAATTATCAGAACAAGTGC[C>T]GCTTGATCCGTGGCTGGGATGACCTCTTCAACAAGGTCAAAGAACACATCAACAGCGTCT-3'
Protein context (NP_001367.2, residues 1475-1495): LDLVNYQNKC[Arg1485Cys]LIRGWDDLFN

ClinVar aggregate classification (germline): Uncertain significance (1 of 4 stars; one submission).

Conditions:
Charcot-Marie-Tooth disease axonal type 2O. Also called: Charcot-Marie-Tooth disease, axonal, type 20; CHARCOT-MARIE-TOOTH NEUROPATHY, AXONAL, TYPE 2O; CHARCOT-MARIE-TOOTH DISEASE, AXONAL, AUTOSOMAL DOMINANT, TYPE 2O; Charcot-Marie-Tooth Neuropathy Type 2O. Identifiers: Orphanet 284232, MedGen C3280220, MONDO:0013644, OMIM 614228.

gnomAD v4.1: 3 of 1,614,086 alleles (0.00019%); highest among the groups gnomAD compares: South Asian, 0.0022%; no homozygotes.

Submission:

Labcorp Genetics (formerly Invitae), Labcorp
Classification: Uncertain significance for Charcot-Marie-Tooth disease axonal type 2O. Last evaluated: 2025-12-03. Review status: criteria provided, single submitter. Criteria: Invitae Variant Classification Sherloc (09022015). Collection method: clinical testing. Allele origin: germline.
Comment: This sequence change replaces arginine, which is basic and polar, with cysteine, which is neutral and slightly polar, at codon 1485 of the DYNC1H1 protein (p.Arg1485Cys). This variant is not present in population databases (gnomAD no frequency). This variant has not been reported in the literature in individuals affected with DYNC1H1-related conditions. ClinVar contains an entry for this variant (Variation ID: 1720579). Invitae Evidence Modeling of protein sequence and biophysical properties (such as structural, functional, and spatial information, amino acid conservation, physicochemical variation, residue mobility, and thermodynamic stability) indicates that this missense variant is expected to disrupt DYNC1H1 protein function with a positive predictive value of 95%. In summary, the available evidence is currently insufficient to determine the role of this variant in disease. Therefore, it has been classified as a Variant of Uncertain Significance.